The following is an entry in ClinVar:

NM_002485.5(NBN):c.171G>T (p.Leu57=)

Gene: NBN (nibrin; minus strand). Cytogenetic location: 8q21.3.
Variant type: single nucleotide variant.
Coding change: c.171G>T on transcript NM_002485.5 (MANE Select); coding-DNA position 171, G replaced by T.
Protein change: p.Leu57=; no amino-acid change (leucine 57 retained).
Molecular consequence: synonymous variant. On other transcripts: 5 prime UTR variant (1).
Genome position (GRCh38, 1-based): chr8:89,982,722, C>A on the plus strand (G>T on the coding strand, the complement: NBN is on the minus strand). VCF-style: chr8-89982722-C-A. GRCh37 (hg19) VCF-style: chr8-90994950-C-A.
Other names: c.-126G>T (NM_001024688.3).
Identifiers: ClinVar variation 480033 (VCV000480033.15), dbSNP rs1554569001, ClinGen allele CA461831509.

ClinVar aggregate classification (germline): Uncertain significance. Review status: criteria provided, multiple submitters, no conflicts (2 of 4 stars). 5 submissions from 5 submitters: Uncertain significance (4). 1 of the submissions does not count toward it. Last evaluated 2023-04-26.

Conditions:
Hereditary cancer-predisposing syndrome. Also called: Hereditary neoplastic syndrome; Neoplastic Syndromes, Hereditary; Tumor predisposition; Hereditary Cancer Syndrome. Identifiers: Orphanet 140162, MedGen C0027672, MeSH D009386, MONDO:0015356.
Microcephaly, normal intelligence and immunodeficiency (NBS). Also called: IMMUNODEFICIENCY, MICROCEPHALY, AND CHROMOSOMAL INSTABILITY; SEEMANOVA SYNDROME II; Nijmegen breakage syndrome; Microcephaly with normal intelligence immunodeficiency and lymphoreticular malignancies; Nonsyndromal microcephaly autosomal recessive with normal intelligence; Seemanova syndrome 2. Identifiers: Orphanet 647, MedGen C0398791, MONDO:0009623, OMIM 251260.

Submissions (5):

GeneDx
Classification: Uncertain significance. Last evaluated: 2023-04-26. Review status: criteria provided, single submitter. Criteria: GeneDx Variant Classification Process June 2021. Collection method: clinical testing. Allele origin: germline. Affected: yes.
Comment: Not observed at significant frequency in large population cohorts (gnomAD); Has not been previously published as pathogenic or benign to our knowledge; In silico analysis is inconclusive as to whether the variant alters gene splicing. In the absence of RNA/functional studies, the actual effect of this sequence change is unknown.

Women's Health and Genetics/Laboratory Corporation of America, LabCorp
Classification: Uncertain significance. Last evaluated: 2023-01-06. Review status: criteria provided, single submitter. Criteria: LabCorp Variant Classification Summary - May 2015. Collection method: clinical testing. Allele origin: germline.

Labcorp Genetics (formerly Invitae), Labcorp
Classification: Uncertain significance for Microcephaly, normal intelligence and immunodeficiency. Last evaluated: 2022-12-12. Review status: criteria provided, single submitter. Criteria: Invitae Variant Classification Sherloc (09022015). Collection method: clinical testing. Allele origin: germline.
Comment: In summary, the available evidence is currently insufficient to determine the role of this variant in disease. Therefore, it has been classified as a Variant of Uncertain Significance. Variants that disrupt the consensus splice site are a relatively common cause of aberrant splicing (PMID: 17576681, 9536098). Algorithms developed to predict the effect of sequence changes on RNA splicing suggest that this variant may disrupt the consensus splice site. ClinVar contains an entry for this variant (Variation ID: 480033). This variant has not been reported in the literature in individuals affected with NBN-related conditions. This variant is not present in population databases (gnomAD no frequency). This sequence change affects codon 57 of the NBN mRNA. It is a 'silent' change, meaning that it does not change the encoded amino acid sequence of the NBN protein. This variant also falls at the last nucleotide of exon 2, which is part of the consensus splice site for this exon.

Ambry Genetics
Classification: Uncertain significance for Hereditary cancer-predisposing syndrome. Last evaluated: 2021-10-05. Review status: criteria provided, single submitter. Criteria: Ambry Variant Classification Scheme 2023. Collection method: clinical testing. Allele origin: germline.
Comment: The c.171G>T variant (also known as p.L57L), located in coding exon 2 of the NBN gene. This variant results from a G to T substitution at nucleotide position 171. This nucleotide substitution does not change the leucine at codon 57. However, this change occurs in the last base pair of coding exon 2, which makes it likely to have some effect on normal mRNA splicing. This nucleotide position is well conserved in available vertebrate species. In silico splice site analysis predicts that this alteration may weaken the native splice donor site. Since supporting evidence is limited at this time, the clinical significance of this alteration remains unclear.

Natera, Inc.
Classification: Uncertain significance for Nijmegen breakage syndrome. Last evaluated: 2020-10-22. Review status: no assertion criteria provided. Collection method: clinical testing. Allele origin: germline. Not counted in ClinVar's aggregate classification.

Literature cited by the submitters: PubMed 17576681 (cited by Labcorp Genetics (formerly Invitae), Labcorp); PubMed 9536098 (cited by Labcorp Genetics (formerly Invitae), Labcorp).